The following is an entry in ClinVar:

ClinVar aggregate classification (germline): Likely benign (1 of 4 stars; one submission).

gnomAD v4.1: 15 of 1,613,570 alleles (0.00093%); highest among the groups gnomAD compares: Non-Finnish European, 0.0012%; no homozygotes.

Submission:

CeGaT Center for Human Genetics Tuebingen
Classification: Likely benign. Last evaluated: 2024-11-01. Review status: criteria provided, single submitter. Criteria: CeGaT Center For Human Genetics Tuebingen Variant Classification Criteria Version 2. Collection method: clinical testing. Allele origin: germline. Affected: yes. Observed: 1 variant allele.
Comment: ZNF407: BP4, BP7

NM_017757.3(ZNF407):c.6252C>G (p.Leu2084=)

Gene: ZNF407 (zinc finger protein 407; plus strand). Cytogenetic location: 18q22.3.
Variant type: single nucleotide variant.
Coding change: c.6252C>G on transcript NM_017757.3 (MANE Select); coding-DNA position 6252, C replaced by G.
Protein change: p.Leu2084=; no amino-acid change (leucine 2084 retained).
Molecular consequence: synonymous variant.
Genome position (GRCh38, 1-based): chr18:75,063,973, C>G. VCF-style: chr18-75063973-C-G. GRCh37 (hg19) VCF-style: chr18-72775929-C-G.
Other names: c.6252C>G, p.Leu2084= (NM_001384475.1).
Identifiers: ClinVar variation 3388627 (VCV003388627.14).